The following is an entry in ClinVar:

ClinVar aggregate classification (germline): Conflicting classifications of pathogenicity. Review status: criteria provided, conflicting classifications (1 of 4 stars). 2 submissions from 2 submitters: Uncertain significance (1); Likely benign (1). Last evaluated 2026-07-01.

Conditions:
Bainbridge-Ropers syndrome. Also called: Severe feeding difficulties-failure to thrive-microcephaly due to ASXL3 deficiency syndrome. Identifiers: Orphanet 352577, MedGen C4750837, MONDO:0014205, OMIM 615485.

Allele frequency attached by ClinVar (database versions not stated): gnomAD exomes 0.00020 and 0.00008; TOPMed 0.00012; ExAC 0.00007; gnomAD 0.00005 and 0.00007.
gnomAD v4.1: 307 of 1,613,896 alleles (0.019%); highest among the groups gnomAD compares: Non-Finnish European, 0.024%; no homozygotes.

Submissions (2):

CeGaT Center for Human Genetics Tuebingen
Classification: Likely benign. Last evaluated: 2026-07-01. Review status: criteria provided, single submitter. Criteria: CeGaT Center For Human Genetics Tuebingen Variant Classification Criteria Version 2. Collection method: clinical testing. Allele origin: germline. Affected: yes. Observed: 2 variant alleles.
Comment: ASXL3: BS2

New York Genome Center
Classification: Uncertain significance for Bainbridge-Ropers syndrome. Last evaluated: 2021-10-23. Review status: criteria provided, single submitter. Criteria: NYGC Assertion Criteria 2020. Collection method: clinical testing. Allele origin: germline. Observed: 1 heterozygote. Study: CSER-NYCKidSeq.

NM_030632.3(ASXL3):c.5309G>A (p.Gly1770Glu)

Gene: ASXL3 (ASXL transcriptional regulator 3; plus strand). Cytogenetic location: 18q12.1.
Variant type: single nucleotide variant.
Coding change: c.5309G>A on transcript NM_030632.3 (MANE Select); coding-DNA position 5309, G replaced by A.
Protein change: p.Gly1770Glu; replaces glycine 1770 with glutamic acid.
Molecular consequence: missense variant.
Genome position (GRCh38, 1-based): chr18:33,745,157, G>A. VCF-style: chr18-33745157-G-A. GRCh37 (hg19) VCF-style: chr18-31325121-G-A.
Other names: short protein forms G1770E.
Identifiers: ClinVar variation 1701659 (VCV001701659.25), dbSNP rs776403744, ClinGen allele CA8934406.
Genomic context (GRCh38, chr18:33,745,157, plus strand): 5'-TGACGCAGTTACTACAGGGCAACCTGCCTTTGGAAAAAGTGTTGCCACAGCCCAGATTGG[G>A]AGCCAAGCTTGAAATCAACAGGCTTCCATTGCCTCTTCAAACTACCTCAGTGGGTAAAAC-3'
Protein context (NP_085135.1, residues 1760-1780): LEKVLPQPRL[Gly1770Glu]AKLEINRLPL